The following is an entry in ClinVar:

ClinVar aggregate classification (germline): Uncertain significance (1 of 4 stars; one submission).

Allele frequency attached by ClinVar (database versions not stated): 1000 Genomes Project 0.00040; 1000 Genomes Project 30x 0.00125.
gnomAD v4.1: 108 of 152,172 alleles (0.071%); highest among the groups gnomAD compares: Non-Finnish European, 0.12%; no homozygotes.

Submission:

Greenwood Genetic Center Diagnostic Laboratories, Greenwood Genetic Center
Classification: Uncertain significance. Last evaluated: 2023-07-26. Review status: criteria provided, single submitter. Criteria: ACMG Guidelines, 2015. Collection method: clinical testing. Allele origin: germline. Affected: yes.
Comment: PM2, BP4

NM_002979.5(SCP2):c.973+816C>T

Gene: SCP2 (sterol carrier protein 2; plus strand). Cytogenetic location: 1p32.3.
Variant type: single nucleotide variant.
Coding change: c.973+816C>T on transcript NM_002979.5 (MANE Select); 816 bases into the intron after coding-DNA position 973, C replaced by T.
Molecular consequence: intron variant.
Genome position (GRCh38, 1-based): chr1:52,981,359, C>T. VCF-style: chr1-52981359-C-T. GRCh37 (hg19) VCF-style: chr1-53447031-C-T.
Other names: c.841+816C>T (NM_001193600.2, NM_001007098.3); c.901+816C>T (NM_001193599.2); c.730+816C>T (NM_001193617.2); c.973+816C>T (NM_001330587.2).
Identifiers: ClinVar variation 2627001 (VCV002627001.1), dbSNP rs191165274, ClinGen allele CA22582467.
Genomic context (GRCh38, chr1:52,981,359, plus strand): 5'-GCTGATAATGACAGCCACTAGCTATACTTTAGTCTTTGAAATGTAGCTAGTCCAAATTGA[C>T]GTGTGCTGTAAGTGTGAAGTACACATGGAGTTTTGGAGACTTAATATTGAAAAATAGAAT-3'